The following is an entry in ClinVar:

ClinVar aggregate classification (germline): Pathogenic (1 of 4 stars; one submission).

Conditions:
Nephronophthisis 16 (NPHP16). Identifiers: Orphanet 655, MedGen C3809320, MONDO:0014158, OMIM 615382.

Submission:

Labcorp Genetics (formerly Invitae), Labcorp
Classification: Pathogenic for Nephronophthisis 16. Last evaluated: 2022-09-09. Review status: criteria provided, single submitter. Criteria: Invitae Variant Classification Sherloc (09022015). Collection method: clinical testing. Allele origin: germline.
Comment: For these reasons, this variant has been classified as Pathogenic. This variant has not been reported in the literature in individuals affected with ANKS6-related conditions. This variant is not present in population databases (gnomAD no frequency). This sequence change creates a premature translational stop signal (p.Leu434Cysfs*22) in the ANKS6 gene. It is expected to result in an absent or disrupted protein product. Loss-of-function variants in ANKS6 are known to be pathogenic (PMID: 23793029, 25599650).

Literature cited by the submitters: PubMed 23793029; PubMed 25599650.

NM_173551.5(ANKS6):c.1300del (p.Leu434fs)

Gene: ANKS6 (ankyrin repeat and sterile alpha motif domain containing 6; minus strand). Cytogenetic location: 9q22.33.
Variant type: Deletion.
Coding change: c.1300del on transcript NM_173551.5 (MANE Select); coding-DNA position 1300, one base deleted (C; older notation c.1300delC).
Protein change: p.Leu434fs; shifts the reading frame from leucine 434.
Molecular consequence: frameshift variant.
Genome position (GRCh38, 1-based): chr9:98,780,257, G deleted on the plus strand (C on the coding strand, the reverse complement: ANKS6 is on the minus strand); the first of 4 consecutive G bases (chr9:98,780,257-98,780,260); deleting any one gives the same sequence. VCF-style (leftmost placement, unchanged base first): chr9-98780256-AG-A. GRCh37 (hg19) VCF-style: chr9-101542538-AG-A.
Other names: short protein forms L434fs.
Identifiers: ClinVar variation 2029697 (VCV002029697.4), dbSNP rs2490403576, ClinGen allele CA2580080819.